The following is an entry in ClinVar:

NM_000052.7(ATP7A):c.4159T>G (p.Trp1387Gly)

Gene: ATP7A (ATPase copper transporting alpha; plus strand). Cytogenetic location: Xq21.1.
Variant type: single nucleotide variant.
Coding change: c.4159T>G on transcript NM_000052.7 (MANE Select); coding-DNA position 4159, T replaced by G.
Protein change: p.Trp1387Gly; replaces tryptophan 1387 with glycine.
Molecular consequence: missense variant. On other transcripts: non-coding transcript variant (1).
Genome position (GRCh38, 1-based): chrX:78,045,505, T>G. VCF-style: chrX-78045505-T-G. GRCh37 (hg19) VCF-style: chrX-77301002-T-G.
Other names: c.3925T>G, p.Trp1309Gly (NM_001282224.2); short protein forms W1387G, W1309G.
Identifiers: ClinVar variation 2946355 (VCV002946355.3), dbSNP rs2522425499, ClinGen allele CA413605806.

ClinVar aggregate classification (germline): Uncertain significance (1 of 4 stars; one submission).

Conditions:
Menkes kinky-hair syndrome (MNK). Also called: Copper transport disease; Menkes Disease; Classic Menkes Disease. Identifiers: Orphanet 565, MedGen C0022716, MONDO:0010651, OMIM 309400.
Cutis laxa, X-linked (OHS). Also called: EDS IX; Occipital horn syndrome. Identifiers: Orphanet 198, MedGen C0268353, MONDO:0010572, OMIM 304150.
X-linked distal spinal muscular atrophy type 3. Also called: ATP7A-Related Distal Motor Neuropathy; SPINAL MUSCULAR ATROPHY, DISTAL, X-LINKED RECESSIVE; NEURONOPATHY, DISTAL HEREDITARY MOTOR, X-LINKED; NEUROPATHY, DISTAL HEREDITARY MOTOR, X-LINKED. Identifiers: Orphanet 139557, MedGen C1845359, MONDO:0010338, OMIM 300489.

Submission:

Labcorp Genetics (formerly Invitae), Labcorp
Classification: Uncertain significance for X-linked distal spinal muscular atrophy type 3; Cutis laxa, X-linked; Menkes kinky-hair syndrome. Last evaluated: 2023-04-08. Review status: criteria provided, single submitter. Criteria: Invitae Variant Classification Sherloc (09022015). Collection method: clinical testing. Allele origin: germline.
Comment: This sequence change replaces tryptophan, which is neutral and slightly polar, with glycine, which is neutral and non-polar, at codon 1387 of the ATP7A protein (p.Trp1387Gly). In summary, the available evidence is currently insufficient to determine the role of this variant in disease. Therefore, it has been classified as a Variant of Uncertain Significance. Advanced modeling of protein sequence and biophysical properties (such as structural, functional, and spatial information, amino acid conservation, physicochemical variation, residue mobility, and thermodynamic stability) performed at Invitae indicates that this missense variant is expected to disrupt ATP7A protein function. This variant has not been reported in the literature in individuals affected with ATP7A-related conditions. This variant is not present in population databases (gnomAD no frequency).